The following is an entry in ClinVar:

NM_000052.7(ATP7A):c.1487G>C (p.Gly496Ala)

Gene: ATP7A (ATPase copper transporting alpha; plus strand). Cytogenetic location: Xq21.1.
Variant type: single nucleotide variant.
Coding change: c.1487G>C on transcript NM_000052.7 (MANE Select); coding-DNA position 1487, G replaced by C.
Protein change: p.Gly496Ala; replaces glycine 496 with alanine.
Molecular consequence: missense variant.
Genome position (GRCh38, 1-based): chrX:77,998,628, G>C. VCF-style: chrX-77998628-G-C. GRCh37 (hg19) VCF-style: chrX-77254125-G-C.
Other names: c.1487G>C, p.Gly496Ala (NM_001282224.2); short protein forms G496A.
Identifiers: ClinVar variation 651997 (VCV000651997.13), dbSNP rs1193696385, ClinGen allele CA413595032.

ClinVar aggregate classification (germline): Uncertain significance. Review status: criteria provided, multiple submitters, no conflicts (2 of 4 stars). 3 submissions from 3 submitters: Uncertain significance (2). 1 of the submissions does not count toward it. Last evaluated 2021-06-16.

Conditions:
Cutis laxa, X-linked (OHS). Also called: EDS IX; Occipital horn syndrome. Identifiers: Orphanet 198, MedGen C0268353, MONDO:0010572, OMIM 304150.
X-linked distal spinal muscular atrophy type 3. Also called: ATP7A-Related Distal Motor Neuropathy; NEURONOPATHY, DISTAL HEREDITARY MOTOR, X-LINKED; NEUROPATHY, DISTAL HEREDITARY MOTOR, X-LINKED; SPINAL MUSCULAR ATROPHY, DISTAL, X-LINKED RECESSIVE. Identifiers: Orphanet 139557, MedGen C1845359, MONDO:0010338, OMIM 300489.
Menkes kinky-hair syndrome (MNK). Also called: Classic Menkes Disease; Menkes Disease; Copper transport disease. Identifiers: Orphanet 565, MedGen C0022716, MONDO:0010651, OMIM 309400.
Ehlers-Danlos syndrome (EDS). Identifiers: Orphanet 98249, MedGen C0013720, MONDO:0020066.

Allele frequency attached by ClinVar (database versions not stated): TOPMed below 0.00001; gnomAD 0.00001; gnomAD exomes below 0.00001.
gnomAD v4.1: 2 of 1,210,385 alleles (0.00017%); highest among the groups gnomAD compares: Non-Finnish European, 0.00022%; no homozygotes.

Submissions (3):

Labcorp Genetics (formerly Invitae), Labcorp
Classification: Uncertain significance for X-linked distal spinal muscular atrophy type 3; Cutis laxa, X-linked; Menkes kinky-hair syndrome. Last evaluated: 2021-06-16. Review status: criteria provided, single submitter. Criteria: Invitae Variant Classification Sherloc (09022015). Collection method: clinical testing. Allele origin: germline.
Comment: This variant is not present in population databases (ExAC no frequency). This sequence change replaces glycine with alanine at codon 496 of the ATP7A protein (p.Gly496Ala). The glycine residue is highly conserved and there is a small physicochemical difference between glycine and alanine. In summary, the available evidence is currently insufficient to determine the role of this variant in disease. Therefore, it has been classified as a Variant of Uncertain Significance. Algorithms developed to predict the effect of missense changes on protein structure and function are either unavailable or do not agree on the potential impact of this missense change (SIFT: "Deleterious"; PolyPhen-2: "Probably Damaging"; Align-GVGD: "Class C0"). This variant has not been reported in the literature in individuals with ATP7A-related disease.

Genome Diagnostics Laboratory, The Hospital for Sick Children
Classification: Uncertain significance for Ehlers-Danlos syndrome. Last evaluated: 2020-09-16. Review status: criteria provided, single submitter. Criteria: ACMG Guidelines, 2015. Collection method: clinical testing. Allele origin: germline.

Natera, Inc.
Classification: Uncertain significance for Menkes kinky hair syndrome. Last evaluated: 2021-03-04. Review status: no assertion criteria provided. Collection method: clinical testing. Allele origin: germline. Not counted in ClinVar's aggregate classification.